The following is an entry in ClinVar:

NM_014795.4(ZEB2):c.3511del (p.Ser1171fs)

Gene: ZEB2 (zinc finger E-box binding homeobox 2; minus strand). Cytogenetic location: 2q22.3.
Variant type: Deletion.
Coding change: c.3511del on transcript NM_014795.4 (MANE Select); coding-DNA position 3511, one base deleted (A; older notation c.3511delA).
Protein change: p.Ser1171fs; shifts the reading frame from serine 1171.
Molecular consequence: frameshift variant.
Genome position (GRCh38, 1-based): chr2:144,389,585, T deleted on the plus strand (A on the coding strand, the reverse complement: ZEB2 is on the minus strand); the first of 4 consecutive T bases (chr2:144,389,585-144,389,588); deleting any one gives the same sequence. VCF-style (leftmost placement, unchanged base first): chr2-144389584-CT-C. GRCh37 (hg19) VCF-style: chr2-145147151-CT-C.
Other names: c.3439del, p.Ser1147fs (NM_001171653.2); short protein forms S1147fs, S1171fs.
Identifiers: ClinVar variation 3776253 (VCV003776253.1).
Genomic context (GRCh38, chr2:144,389,584, plus strand): 5'-TCCATGGAGTGATCTCCAGTCTCTTCTTCATCTCGTATCGTTTCGGGATCCGTATCCATA[CT>C]TTTATTTTCACTTTCTTCCTCTTCCTCCTCGAACTCCTCGTCGCCATCCTGTCTGCCCAG-3'

ClinVar aggregate classification (germline): Uncertain significance (1 of 4 stars; one submission).

Conditions:
Mowat-Wilson syndrome (MOWS). Also called: Classic Mowat-Wilson Syndrome. Identifiers: Orphanet 2152, MedGen C1856113, MONDO:0009341, OMIM 235730.

Submission:

3billion
Classification: Uncertain significance for Mowat-Wilson syndrome. Last evaluated: 2023-07-25. Review status: criteria provided, single submitter. Criteria: ACMG Guidelines, 2015. Collection method: clinical testing. Allele origin: germline. Affected: yes.
Comment: The variant is not observed in the gnomAD v2.1.1 dataset. Predicted Consequence/Location: Frameshift: predicted to result in a loss or disruption of normal protein function through protein truncation. The predicted truncated protein may be shortened by less than 10%. Therefore, this variant is classified as VUS according to the recommendation of ACMG/AMP guideline.